The following is an entry in ClinVar:

NM_014946.4(SPAST):c.1494-16G>A

Gene: SPAST (spastin; plus strand). Cytogenetic location: 2p22.3.
Variant type: single nucleotide variant.
Coding change: c.1494-16G>A on transcript NM_014946.4 (MANE Select); 16 bases into the intron before coding-DNA position 1494, G replaced by A.
Molecular consequence: intron variant.
Genome position (GRCh38, 1-based): chr2:32,141,888, G>A. VCF-style: chr2-32141888-G-A. GRCh37 (hg19) VCF-style: chr2-32366957-G-A.
Other names: c.1398-16G>A (NM_199436.2, NM_001377959.1); c.1491-16G>A (NM_001363823.2); c.1395-16G>A (NM_001363875.2).
Identifiers: ClinVar variation 2199724 (VCV002199724.4), dbSNP rs779643000, ClinGen allele CA2580066373.

ClinVar aggregate classification (germline): Pathogenic (1 of 4 stars; one submission).

Conditions:
Hereditary spastic paraplegia 4. Also called: Familial spastic paraplegia autosomal dominant 2; Spastic paraplegia 4, autosomal dominant; Spastic Paraplegia 4. Identifiers: Orphanet 100985, MedGen C1866855, MONDO:0008438, OMIM 182601.

Submission:

Labcorp Genetics (formerly Invitae), Labcorp
Classification: Pathogenic for Hereditary spastic paraplegia 4. Last evaluated: 2025-07-09. Review status: criteria provided, single submitter. Criteria: Invitae Variant Classification Sherloc (09022015). Collection method: clinical testing. Allele origin: germline.
Comment: This sequence change falls in intron 12 of the SPAST gene. It does not directly change the encoded amino acid sequence of the SPAST protein. This variant is not present in population databases (gnomAD no frequency). This variant has been observed in individuals with clinical features of hereditary spastic paraplegia (internal data). Invitae Evidence Modeling of clinical and family history, age, sex, and reported ancestry of multiple individuals with this SPAST variant has been performed. This variant is expected to be pathogenic with a positive predictive value of at least 99%. This is a validated machine learning model that incorporates the clinical features of 4,195 individuals referred to our laboratory for SPAST testing. ClinVar contains an entry for this variant (Variation ID: 2199724). Algorithms developed to predict the effect of sequence changes on RNA splicing suggest that this variant may disrupt the consensus splice site. For these reasons, this variant has been classified as Pathogenic.